The following is an entry in ClinVar:

ClinVar aggregate classification (germline): Uncertain significance (1 of 4 stars; one submission).

Conditions:
Hyperaldosteronism, familial, type IV (HALD4). Also called: FH IV; ALDOSTERONISM, PRIMARY, AND HYPERTENSION. Identifiers: Orphanet 642671, MedGen C4310756, MONDO:0014875, OMIM 617027.
Idiopathic generalized epilepsy. Also called: EIG; Generalised epilepsy. Identifiers: MedGen C0270850, MONDO:0005579, OMIM 600669.

gnomAD v4.1: 1 of 1,456,982 alleles (0.000069%); highest among the groups gnomAD compares: Admixed American, 0.0024%; no homozygotes.

Submission:

Labcorp Genetics (formerly Invitae), Labcorp
Classification: Uncertain significance for Idiopathic generalized epilepsy; Hyperaldosteronism, familial, type IV. Last evaluated: 2023-10-05. Review status: criteria provided, single submitter. Criteria: Invitae Variant Classification Sherloc (09022015). Collection method: clinical testing. Allele origin: germline.
Comment: This sequence change replaces aspartic acid, which is acidic and polar, with tyrosine, which is neutral and polar, at codon 65 of the CACNA1H protein (p.Asp65Tyr). This variant is not present in population databases (gnomAD no frequency). This variant has not been reported in the literature in individuals affected with CACNA1H-related conditions. Advanced modeling of protein sequence and biophysical properties (such as structural, functional, and spatial information, amino acid conservation, physicochemical variation, residue mobility, and thermodynamic stability) performed at Invitae indicates that this missense variant is not expected to disrupt CACNA1H protein function. In summary, the available evidence is currently insufficient to determine the role of this variant in disease. Therefore, it has been classified as a Variant of Uncertain Significance.

NM_021098.3(CACNA1H):c.193G>T (p.Asp65Tyr)

Gene: CACNA1H (calcium voltage-gated channel subunit alpha1 H; plus strand). Cytogenetic location: 16p13.3.
Variant type: single nucleotide variant.
Coding change: c.193G>T on transcript NM_021098.3 (MANE Select); coding-DNA position 193, G replaced by T.
Protein change: p.Asp65Tyr; replaces aspartic acid 65 with tyrosine.
Molecular consequence: missense variant.
Genome position (GRCh38, 1-based): chr16:1,153,930, G>T. VCF-style: chr16-1153930-G-T. GRCh37 (hg19) VCF-style: chr16-1203930-G-T.
Other names: c.193G>T, p.Asp65Tyr (NM_001005407.2); short protein forms D65Y.
Identifiers: ClinVar variation 2939950 (VCV002939950.3), dbSNP rs1596270983, ClinGen allele CA394145813.
Genomic context (GRCh38, chr16:1,153,930, plus strand): 5'-GAGCTCGGCGTGTCACCCTCCGAGAGCCCGGCGGCCGAGCGCGGCGCGGAGCTGGGTGCC[G>T]ACGAGGAGCAGCGCGTCCCGTACCCGGCCTTGGCGGCCACGGTCTTCTTCTGCCTCGGTC-3'
Protein context (NP_066921.2, residues 55-75): AAERGAELGA[Asp65Tyr]EEQRVPYPAL